The following is an entry in ClinVar:

NM_176806.4(MOCS2):c.7C>T (p.Pro3Ser)

Genes: MOCS2 (molybdenum cofactor synthesis 2; minus strand), LOC129993881 (ATAC-STARR-seq lymphoblastoid silent region 16005; plus strand). Cytogenetic location: 5q11.2.
Variant type: single nucleotide variant.
Coding change: c.7C>T on transcript NM_176806.4 (MANE Plus Clinical); coding-DNA position 7, C replaced by T.
Protein change: p.Pro3Ser; replaces proline 3 with serine.
Molecular consequence: missense variant. On other transcripts: 5 prime UTR variant (1).
Genome position (GRCh38, 1-based): chr5:53,109,723, G>A on the plus strand (C>T on the coding strand, the complement: MOCS2 is on the minus strand). VCF-style: chr5-53109723-G-A. GRCh37 (hg19) VCF-style: chr5-52405553-G-A.
Other names: c.-642C>T (NM_004531.5); c.7C>T (NM_176806.2); short protein forms P3S.
Identifiers: ClinVar variation 353885 (VCV000353885.9), dbSNP rs886060696, ClinGen allele CA10620584.

ClinVar aggregate classification (germline): Uncertain significance. Review status: criteria provided, multiple submitters, no conflicts (2 of 4 stars). 4 submissions from 4 submitters: Uncertain significance (4). Last evaluated 2025-03-31.

Conditions:
Inborn genetic diseases. Identifiers: MedGen C0950123, MeSH D030342.
Sulfite oxidase deficiency due to molybdenum cofactor deficiency type B1 (MOCODB1). Also called: Molybdenum cofactor deficiency B; Molybdenum cofactor deficiency, complementation group B; Sulfite oxidase deficiency due to molybdenum cofactor deficiency type B; MOLYBDENUM COFACTOR DEFICIENCY, TYPE B1. Identifiers: Orphanet 308393, Orphanet 833, MedGen C6065887, MONDO:0009644, OMIM 252160.

Allele frequency attached by ClinVar (database versions not stated): gnomAD exomes 0.00001; gnomAD 0.00002 and 0.00003; TOPMed 0.00003.
gnomAD v4.1: 28 of 1,551,428 alleles (0.0018%); highest among the groups gnomAD compares: Non-Finnish European, 0.0022%; no homozygotes.

Submissions (4):

Ambry Genetics
Classification: Uncertain significance for Inborn genetic diseases. Last evaluated: 2025-03-31. Review status: criteria provided, single submitter. Criteria: Ambry Variant Classification Scheme 2023. Collection method: clinical testing. Allele origin: germline.

Fulgent Genetics
Classification: Uncertain significance for Sulfite oxidase deficiency due to molybdenum cofactor deficiency type B1. Last evaluated: 2024-04-01. Review status: criteria provided, single submitter. Criteria: ACMG Guidelines, 2015. Collection method: clinical testing. Allele origin: germline.

Labcorp Genetics (formerly Invitae), Labcorp
Classification: Uncertain significance. Last evaluated: 2022-01-04. Review status: criteria provided, single submitter. Criteria: Invitae Variant Classification Sherloc (09022015). Collection method: clinical testing. Allele origin: germline.
Comment: This sequence change replaces proline, which is neutral and non-polar, with serine, which is neutral and polar, at codon 3 of the MOCS2A protein (p.Pro3Ser). The frequency data for this variant in the population databases is considered unreliable, as metrics indicate poor data quality at this position in the gnomAD database. This variant has not been reported in the literature in individuals affected with MOCS2A-related conditions. ClinVar contains an entry for this variant (Variation ID: 353885). Algorithms developed to predict the effect of missense changes on protein structure and function (SIFT, PolyPhen-2, Align-GVGD) all suggest that this variant is likely to be tolerated. In summary, the available evidence is currently insufficient to determine the role of this variant in disease. Therefore, it has been classified as a Variant of Uncertain Significance.

Illumina Laboratory Services, Illumina
Classification: Uncertain significance for Sulfite oxidase deficiency due to molybdenum cofactor deficiency type B1. Last evaluated: 2018-01-13. Review status: criteria provided, single submitter. Criteria: ICSL Variant Classification Criteria 13 December 2019. Collection method: clinical testing. Allele origin: germline.